The following is an entry in ClinVar:

NM_000234.3(LIG1):c.1580G>A (p.Arg527His)

Gene: LIG1 (DNA ligase 1; minus strand). Cytogenetic location: 19q13.33.
Variant type: single nucleotide variant.
Coding change: c.1580G>A on transcript NM_000234.3 (MANE Select); coding-DNA position 1580, G replaced by A.
Protein change: p.Arg527His; replaces arginine 527 with histidine.
Molecular consequence: missense variant. On other transcripts: non-coding transcript variant (4).
Genome position (GRCh38, 1-based): chr19:48,134,010, C>T on the plus strand (G>A on the coding strand, the complement: LIG1 is on the minus strand). VCF-style: chr19-48134010-C-T. GRCh37 (hg19) VCF-style: chr19-48637267-C-T.
Other names: c.1487G>A, p.Arg496His (NM_001289063.2); c.1376G>A, p.Arg459His (NM_001289064.2); c.1577G>A, p.Arg526His (NM_001320970.2); c.1490G>A, p.Arg497His (NM_001320971.2); short protein forms R459H, R526H, R496H, R527H, R497H.
Identifiers: ClinVar variation 1485336 (VCV001485336.8), dbSNP rs773710949, ClinGen allele CA9546781.

ClinVar aggregate classification (germline): Uncertain significance (1 of 4 stars; one submission).

Allele frequency attached by ClinVar (database versions not stated): gnomAD 0.00001 and 0.00002; gnomAD exomes 0.00001 and 0.00002; TOPMed 0.00001; ExAC 0.00005.
gnomAD v4.1: 21 of 1,556,070 alleles (0.0013%); highest among the groups gnomAD compares: East Asian, 0.0097%; no homozygotes.

Submission:

Labcorp Genetics (formerly Invitae), Labcorp
Classification: Uncertain significance. Last evaluated: 2025-11-10. Review status: criteria provided, single submitter. Criteria: Invitae Variant Classification Sherloc (09022015). Collection method: clinical testing. Allele origin: germline.
Comment: This sequence change replaces arginine, which is basic and polar, with histidine, which is basic and polar, at codon 527 of the LIG1 protein (p.Arg527His). The frequency data for this variant in the population databases is considered unreliable, as metrics indicate poor data quality at this position in the gnomAD database. This variant has not been reported in the literature in individuals affected with LIG1-related conditions. ClinVar contains an entry for this variant (Variation ID: 1485336). An algorithm developed to predict the effect of missense changes on protein structure and function outputs the following: PolyPhen-2: "Benign". The histidine amino acid residue is found in multiple mammalian species, which suggests that this missense change does not adversely affect protein function. In summary, the available evidence is currently insufficient to determine the role of this variant in disease. Therefore, it has been classified as a Variant of Uncertain Significance.